The following is an entry in ClinVar:

NM_003482.4(KMT2D):c.12526G>T (p.Gly4176Ter)

Gene: KMT2D (lysine methyltransferase 2D; minus strand). Cytogenetic location: 12q13.12.
Variant type: single nucleotide variant.
Coding change: c.12526G>T on transcript NM_003482.4 (MANE Select); coding-DNA position 12526, G replaced by T.
Protein change: p.Gly4176Ter; replaces glycine 4176 with a stop codon.
Molecular consequence: nonsense.
Genome position (GRCh38, 1-based): chr12:49,032,179, C>A on the plus strand (G>T on the coding strand, the complement: KMT2D is on the minus strand). VCF-style: chr12-49032179-C-A. GRCh37 (hg19) VCF-style: chr12-49425962-C-A.
Other names: short protein forms G4176*.
Identifiers: ClinVar variation 4537453 (VCV004537453.1).

ClinVar aggregate classification (germline): Pathogenic (1 of 4 stars; one submission).

Conditions:
Kabuki syndrome 1 (KABUK1). Also called: KMT2D-Related Kabuki Syndrome. Identifiers: Orphanet 2322, MedGen CN030661, MONDO:0007843, OMIM 147920.

Submission:

Institute of Human Genetics, FAU Erlangen, Friedrich-Alexander-Universität Erlangen-Nürnberg
Classification: Pathogenic for Kabuki syndrome 1. Last evaluated: 2025-12-15. Review status: criteria provided, single submitter. Criteria: Hauer et al. (Genet Med. 2018). Collection method: clinical testing. Allele origin: germline. Inheritance: Autosomal dominant inheritance. Affected: yes. Observed: 1 variant allele.
Comment: This variant has been identified by standard clinical testing. ACMG: PVS1 very strong, PM2 supporting, PS2 supporting Selected ACMG criteria: Not enough evidence